The following is an entry in ClinVar:

ClinVar aggregate classification (germline): Uncertain significance. Review status: criteria provided, multiple submitters, no conflicts (2 of 4 stars). 2 submissions from 2 submitters: Uncertain significance (2). Last evaluated 2024-10-16.

Conditions:
Inborn genetic diseases. Identifiers: MedGen C0950123, MeSH D030342.

Allele frequency attached by ClinVar (database versions not stated): gnomAD 0.00001; gnomAD exomes 0.00001; ExAC 0.00002; TOPMed 0.00003; ESP Exome Variant Server 0.00008.
gnomAD v4.1: 10 of 1,613,518 alleles (0.00062%); highest among the groups gnomAD compares: Non-Finnish European, 0.00085%; no homozygotes.

Submissions (2):

Labcorp Genetics (formerly Invitae), Labcorp
Classification: Uncertain significance. Last evaluated: 2024-10-16. Review status: criteria provided, single submitter. Criteria: Invitae Variant Classification Sherloc (09022015). Collection method: clinical testing. Allele origin: germline.
Comment: This sequence change replaces serine, which is neutral and polar, with glycine, which is neutral and non-polar, at codon 1554 of the LTBP2 protein (p.Ser1554Gly). This variant is present in population databases (rs147384466, gnomAD 0.003%). This variant has not been reported in the literature in individuals affected with LTBP2-related conditions. ClinVar contains an entry for this variant (Variation ID: 1350419). An algorithm developed to predict the effect of missense changes on protein structure and function (PolyPhen-2) suggests that this variant is likely to be disruptive. In summary, the available evidence is currently insufficient to determine the role of this variant in disease. Therefore, it has been classified as a Variant of Uncertain Significance.

Ambry Genetics
Classification: Uncertain significance for Inborn genetic diseases. Last evaluated: 2023-01-23. Review status: criteria provided, single submitter. Criteria: Ambry Variant Classification Scheme 2023. Collection method: clinical testing. Allele origin: germline.

NM_000428.3(LTBP2):c.4660A>G (p.Ser1554Gly)

Gene: LTBP2 (latent transforming growth factor beta binding protein 2; minus strand). Cytogenetic location: 14q24.3.
Variant type: single nucleotide variant.
Coding change: c.4660A>G on transcript NM_000428.3 (MANE Select); coding-DNA position 4660, A replaced by G.
Protein change: p.Ser1554Gly; replaces serine 1554 with glycine.
Molecular consequence: missense variant.
Genome position (GRCh38, 1-based): chr14:74,503,529, T>C on the plus strand (A>G on the coding strand, the complement: LTBP2 is on the minus strand). VCF-style: chr14-74503529-T-C. GRCh37 (hg19) VCF-style: chr14-74970232-T-C.
Other names: c.4660A>G (NM_000428.2); short protein forms S1554G.
Identifiers: ClinVar variation 1350419 (VCV001350419.8), dbSNP rs147384466, ClinGen allele CA7268686.